The following is an entry in ClinVar:

NM_000256.3(MYBPC3):c.1224-53C>T

Gene: MYBPC3 (myosin binding protein C3; minus strand). Cytogenetic location: 11p11.2.
Variant type: single nucleotide variant.
Coding change: c.1224-53C>T on transcript NM_000256.3 (MANE Select); 53 bases into the intron before coding-DNA position 1224, C replaced by T.
Molecular consequence: intron variant.
Genome position (GRCh38, 1-based): chr11:47,343,315, G>A on the plus strand (C>T on the coding strand, the complement: MYBPC3 is on the minus strand). VCF-style: chr11-47343315-G-A. GRCh37 (hg19) VCF-style: chr11-47364866-G-A.
Identifiers: ClinVar variation 3768655 (VCV003768655.1).
Genomic context (GRCh38, chr11:47,343,315, plus strand): 5'-CTTACTTGCTGTAGAACAGAAGGGGCCGTTGAAGTGTTCCCGACGGGAGGAAGTGAGCCC[G>A]AGACAAAAGGAGAGAGAGAGAGGGACCGGCAGGAGCAAAAGGATGGGAAATTAGGCCCAG-3'

ClinVar aggregate classification (germline): Likely benign (1 of 4 stars; one submission).

gnomAD v4.1: 11 of 1,519,762 alleles (0.00072%); highest among the groups gnomAD compares: African/African-American, 0.0097%; no homozygotes.

Submission:

Women's Health and Genetics/Laboratory Corporation of America, LabCorp
Classification: Likely benign. Last evaluated: 2025-02-10. Review status: criteria provided, single submitter. Criteria: LabCorp Variant Classification Summary - May 2015. Collection method: clinical testing. Allele origin: germline.
Comment: Variant summary: MYBPC3 c.1224-53C>T is located at a position not widely known to affect splicing. Consensus agreement among computation tools predict no significant impact on normal splicing. However, these predictions have yet to be confirmed by functional studies. The variant allele was found at a frequency of 3.2e-05 in 31370 control chromosomes. The available data on variant occurrences in the general population are insufficient to allow any conclusion about variant significance. To our knowledge, no occurrence of c.1224-53C>T in individuals affected with Cardiomyopathy and no experimental evidence demonstrating its impact on protein function have been reported. No submitters have cited clinical-significance assessments for this variant to ClinVar. Based on the evidence outlined above, the variant was classified as likely benign.